The following is an entry in ClinVar:

NM_001377.3(DYNC2H1):c.4043del (p.Lys1348fs)

Gene: DYNC2H1 (dynein cytoplasmic 2 heavy chain 1; plus strand). Cytogenetic location: 11q22.3.
Variant type: Deletion.
Coding change: c.4043del on transcript NM_001377.3 (MANE Select); coding-DNA position 4043, one base deleted (A; older notation c.4043delA).
Protein change: p.Lys1348fs; shifts the reading frame from lysine 1348.
Molecular consequence: frameshift variant.
Genome position (GRCh38, 1-based): chr11:103,156,686, A deleted; the last of 3 consecutive A bases (chr11:103,156,684-103,156,686); deleting any one gives the same sequence. VCF-style (leftmost placement, unchanged base first): chr11-103156683-GA-G. GRCh37 (hg19) VCF-style: chr11-103027412-GA-G.
Other names: c.4043del, p.Lys1348fs (NM_001080463.2); short protein forms K1348fs.
Identifiers: ClinVar variation 5014922 (VCV005014922.1).

ClinVar aggregate classification (germline): Pathogenic (1 of 4 stars; one submission).

Conditions:
Asphyxiating thoracic dystrophy 3. Also called: Short rib polydactyly syndrome 2B; Saldino-Noonan Syndrome; SHORT-RIB THORACIC DYSPLASIA 3 WITH OR WITHOUT POLYDACTYLY; POLYDACTYLY WITH NEONATAL CHONDRODYSTROPHY, TYPE I; SHORT-RIB THORACIC DYSPLASIA 3/6 WITH POLYDACTYLY, DIGENIC. Identifiers: Orphanet 474, Orphanet 93269, Orphanet 93270, Orphanet 93271, MedGen C0036069, MONDO:0013127, OMIM 613091.

Submission:

Myriad Genetics, Inc.
Classification: Pathogenic for Asphyxiating thoracic dystrophy 3. Last evaluated: 2025-08-27. Review status: criteria provided, single submitter. Criteria: Myriad Autosomal Dominant, Autosomal Recessive and X-Linked Classification Criteria (2023). Collection method: clinical testing. Allele origin: unknown.
Comment: NM_001377.2(DYNC2H1):c.4043delA(K1348Sfs*31) is expected to be pathogenic in the context of DYNC2H1-related disorders. This variant is predicted to lead to an abnormal or absent protein product due to the creation of a premature termination codon in DYNC2H1, a gene where loss-of-function variants are known to be pathogenic. Please note: this variant was assessed in the context of healthy population screening.